The following is an entry in ClinVar:

NM_031935.3(HMCN1):c.4772G>A (p.Ser1591Asn)

Gene: HMCN1 (hemicentin 1; plus strand). Cytogenetic location: 1q31.1.
Variant type: single nucleotide variant.
Coding change: c.4772G>A on transcript NM_031935.3 (MANE Select); coding-DNA position 4772, G replaced by A.
Protein change: p.Ser1591Asn; replaces serine 1591 with asparagine.
Molecular consequence: missense variant.
Genome position (GRCh38, 1-based): chr1:186,015,300, G>A. VCF-style: chr1-186015300-G-A. GRCh37 (hg19) VCF-style: chr1-185984432-G-A.
Other names: short protein forms S1591N.
Identifiers: ClinVar variation 294153 (VCV000294153.12), dbSNP rs140480677, ClinGen allele CA1292095.

ClinVar aggregate classification (germline): Uncertain significance. Review status: criteria provided, multiple submitters, no conflicts (2 of 4 stars). 5 submissions from 5 submitters: Uncertain significance (5). Last evaluated 2025-04-28.

Conditions:
Age related macular degeneration 1 (ARMD1). Also called: MACULOPATHY, AGE-RELATED, 1. Identifiers: MedGen C1864205, MONDO:0011285, OMIM 603075.

Allele frequency attached by ClinVar (database versions not stated): gnomAD 0.00003 and 0.00004; TOPMed 0.00003; gnomAD exomes 0.00008; ExAC 0.00012; ESP Exome Variant Server 0.00015.
gnomAD v4.1: 98 of 1,613,636 alleles (0.0061%); highest among the groups gnomAD compares: Middle Eastern, 0.049%; no homozygotes.

Submissions (5):

Labcorp Genetics (formerly Invitae), Labcorp
Classification: Uncertain significance. Last evaluated: 2025-04-28. Review status: criteria provided, single submitter. Criteria: Invitae Variant Classification Sherloc (09022015). Collection method: clinical testing. Allele origin: germline.
Comment: This sequence change replaces serine, which is neutral and polar, with asparagine, which is neutral and polar, at codon 1591 of the HMCN1 protein (p.Ser1591Asn). This variant is present in population databases (rs140480677, gnomAD 0.02%). This variant has not been reported in the literature in individuals affected with HMCN1-related conditions. ClinVar contains an entry for this variant (Variation ID: 294153). An algorithm developed to predict the effect of missense changes on protein structure and function outputs the following: PolyPhen-2: "Benign". The asparagine amino acid residue is found in multiple mammalian species, which suggests that this missense change does not adversely affect protein function. In summary, the available evidence is currently insufficient to determine the role of this variant in disease. Therefore, it has been classified as a Variant of Uncertain Significance.

Ambry Genetics
Classification: Uncertain significance. Last evaluated: 2023-12-26. Review status: criteria provided, single submitter. Criteria: Ambry Variant Classification Scheme 2023. Collection method: clinical testing. Allele origin: germline.

Genome-Nilou Lab
Classification: Uncertain significance for Age related macular degeneration 1. Last evaluated: 2023-04-11. Review status: criteria provided, single submitter. Criteria: ACMG Guidelines, 2015. Collection method: clinical testing. Allele origin: germline. Affected: no.

Illumina Laboratory Services, Illumina
Classification: Uncertain significance for Age related macular degeneration 1. Last evaluated: 2018-01-12. Review status: criteria provided, single submitter. Criteria: ICSL Variant Classification Criteria 13 December 2019. Collection method: clinical testing. Allele origin: germline.

Breakthrough Genomics
Classification: Uncertain significance. Review status: criteria provided, single submitter. Criteria: ACMG Guidelines, 2015. Collection method: not provided. Allele origin: germline. Inheritance: Autosomal dominant inheritance. Affected: yes.